The following is an entry in ClinVar:

ClinVar aggregate classification (germline): Benign/Likely benign. Review status: criteria provided, multiple submitters, no conflicts (2 of 4 stars). 3 submissions from 3 submitters: Benign (1); Likely benign (2). Last evaluated 2026-01-30.

gnomAD v4.1: 786 of 1,587,096 alleles (0.05%); highest among the groups gnomAD compares: African/African-American, 0.96%; no homozygotes.

Submissions (3):

Women's Health and Genetics/Laboratory Corporation of America, LabCorp
Classification: Benign. Last evaluated: 2026-01-30. Review status: criteria provided, single submitter. Criteria: LabCorp Variant Classification Summary - May 2015. Collection method: clinical testing. Allele origin: germline.
Comment: Variant summary: AK2 c.-4G>T is located in the untranslated mRNA region upstream of the initiation codon. The variant allele was found at a frequency of 0.00059 in 204810 control chromosomes, predominantly at a frequency of 0.0086 within the African or African-American subpopulation in the gnomAD database. The observed variant frequency within African or African-American control individuals in the gnomAD database exceeds the estimated maximal expected allele frequency for disease-causing variants in AK2. To our knowledge, no occurrence of c.-4G>T in individuals affected with AK2-related conditions and no experimental evidence demonstrating its impact on protein function have been reported. ClinVar contains an entry for this variant (Variation ID: 4684824). Based on the evidence outlined above, the variant was classified as benign.

Mayo Clinic Laboratories, Mayo Clinic
Classification: Likely benign. Last evaluated: 2025-10-29. Review status: criteria provided, single submitter. Criteria: ACMG Guidelines, 2015. Collection method: clinical testing. Allele origin: germline. Observed: 5 variant alleles.
Comment: BS1_stand-alone

Blueprint Genetics
Classification: Likely benign. Last evaluated: 2024-11-25. Review status: criteria provided, single submitter. Criteria: ACMG Guidelines, 2015. Collection method: clinical testing. Allele origin: germline.

NM_001625.4(AK2):c.-4G>T

Genes: AK2 (adenylate kinase 2; minus strand), LOC129930068 (ATAC-STARR-seq lymphoblastoid active region 705; plus strand). Cytogenetic location: 1p35.1.
Variant type: single nucleotide variant.
Coding change: c.-4G>T on transcript NM_001625.4 (MANE Select); 4 bases upstream of the start codon, G replaced by T.
Molecular consequence: 5 prime UTR variant. On other transcripts: non-coding transcript variant (1).
Genome position (GRCh38, 1-based): chr1:33,036,832, C>A on the plus strand (G>T on the coding strand, the complement: AK2 is on the minus strand). VCF-style: chr1-33036832-C-A. GRCh37 (hg19) VCF-style: chr1-33502433-C-A.
Other names: c.-4G>T (NM_001199199.3, NM_001319141.3, NM_001319142.3 and 2 more transcripts); c.-266G>T (NM_001319139.3, NM_001319140.2).
Identifiers: ClinVar variation 4684824 (VCV004684824.3).